The following is an entry in ClinVar:

ClinVar aggregate classification (germline): Likely pathogenic (1 of 4 stars; one submission).

Conditions:
Branchiootorenal syndrome 1. Also called: Branchio-Oto-Renal Syndrome 1. Identifiers: Orphanet 107, MedGen C4551702, MONDO:0007236, OMIM 113650.

Submission:

Institute of Rare Diseases, West China Hospital, Sichuan University
Classification: Likely pathogenic for Branchiootorenal syndrome 1. Last evaluated: 2025-01-09. Review status: criteria provided, single submitter. Criteria: ClinGen HL ACMG Specifications v1. Collection method: research. Allele origin: germline. Affected: yes.
Comment: PVS1;PM2_Supporting

NM_000503.6(EYA1):c.1077_1078insT (p.Leu360fs)

Gene: EYA1 (EYA transcriptional coactivator and phosphatase 1; minus strand). Cytogenetic location: 8q13.3.
Variant type: Insertion.
Coding change: c.1077_1078insT on transcript NM_000503.6 (MANE Select); coding-DNA positions 1077 to 1078, T inserted.
Protein change: p.Leu360fs; shifts the reading frame from leucine 360.
Molecular consequence: frameshift variant. On other transcripts: intron variant (2).
Genome position: GRCh38 VCF-style: chr8-71244665-G-GA. GRCh37 (hg19) VCF-style: chr8-72156900-G-GA.
Other names: c.1059_1060insT, p.Leu354fs (NM_001288574.2); c.711_712insT, p.Leu238fs (NM_001288575.2); c.1164_1165insT, p.Leu389fs (NM_001370333.1); c.1077_1078insT, p.Leu360fs (NM_001370334.1, NM_001370335.1, NM_172058.4); c.978_979insT, p.Leu327fs (NM_001411797.1, NM_172060.4); c.1119+25074_1119+25075insT (NM_001370336.1); c.1122+25074_1122+25075insT (NM_172059.5); short protein forms L238fs, L327fs, L354fs, L360fs, L389fs.
Identifiers: ClinVar variation 3601090 (VCV003601090.1).